The following is an entry in ClinVar:

NM_001330260.2(SCN8A):c.5570del (p.Gly1857fs)

Gene: SCN8A (sodium voltage-gated channel alpha subunit 8; plus strand). Cytogenetic location: 12q13.13.
Variant type: Deletion.
Coding change: c.5570del on transcript NM_001330260.2 (MANE Select); coding-DNA position 5570, one base deleted (G; older notation c.5570delG).
Protein change: p.Gly1857fs; shifts the reading frame from glycine 1857.
Molecular consequence: frameshift variant.
Genome position (GRCh38, 1-based): chr12:51,807,056, G deleted; the last of 3 consecutive G bases (chr12:51,807,054-51,807,056); deleting any one gives the same sequence. VCF-style (leftmost placement, unchanged base first): chr12-51807053-TG-T. GRCh37 (hg19) VCF-style: chr12-52200837-TG-T.
Other names: c.5447del, p.Gly1816fs (NM_001177984.3, NM_001369788.1); c.5570del, p.Gly1857fs (NM_014191.4); short protein forms G1816fs, G1857fs.
Identifiers: ClinVar variation 2027482 (VCV002027482.4), dbSNP rs2540335515, ClinGen allele CA2580086587.

ClinVar aggregate classification (germline): Uncertain significance (1 of 4 stars; one submission).

Conditions:
Early-infantile DEE. Also called: Ohtahara syndrome; Early infantile epileptic encephalopathy with suppression bursts; Early infantile epileptic encephalopathy. Identifiers: Orphanet 1934, MedGen C0393706, MONDO:0800491.

Submission:

Labcorp Genetics (formerly Invitae), Labcorp
Classification: Uncertain significance for Early-infantile DEE. Last evaluated: 2022-09-19. Review status: criteria provided, single submitter. Criteria: Invitae Variant Classification Sherloc (09022015). Collection method: clinical testing. Allele origin: germline.
Comment: In summary, the available evidence is currently insufficient to determine the role of this variant in disease. Therefore, it has been classified as a Variant of Uncertain Significance. Experimental studies and prediction algorithms are not available or were not evaluated, and the functional significance of this variant is currently unknown. This variant has not been reported in the literature in individuals affected with SCN8A-related conditions. This variant is not present in population databases (gnomAD no frequency). This sequence change creates a premature translational stop signal (p.Gly1857Glufs*94) in the SCN8A gene. While this is not anticipated to result in nonsense mediated decay, it is expected to disrupt the last 124 amino acid(s) of the SCN8A protein.